The following is an entry in ClinVar:

ClinVar aggregate classification (germline): Likely pathogenic (1 of 4 stars; one submission).

Conditions:
Neurodevelopmental disorder. Identifiers: MedGen C1535926, MeSH D065886, MONDO:0700092.

Submission:

Victorian Clinical Genetics Services, Murdoch Childrens Research Institute
Classification: Likely pathogenic for Neurodevelopmental disorder. Last evaluated: 2024-09-22. Review status: criteria provided, single submitter. Criteria: ACMG Guidelines, 2015. Collection method: clinical testing. Allele origin: germline. Inheritance: Autosomal dominant inheritance. Affected: yes.
Comment: Based on the classification scheme VCGS_Germline_v1.3.4, this variant is classified as Likely Pathogenic. Following criteria are met: 0102 - Loss of function is a known mechanism of disease in this gene and is associated with Neurodevelopmental disorder (MONDO#0700092), SHANK1-related. (I) 0107 - This gene is associated with autosomal dominant disease. (I) 0115 - Variants in this gene are known to have variable expressivity. Some females with a large deletion encompassing part of SHANK1 have been noted to have a phenotype of severe anxiety only (PMID: 22503632, 34113010, 35388181). (I) 0204 - Variant is predicted to result in a truncated protein (premature termination codons in this gene are known to escape nonsense-mediated decay (PMID: 34113010)) with at least 1/3 of the protein sequence affected. (SP) 0251 - This variant is heterozygous. (I) 0301 - Variant is absent from gnomAD (both v2 and v3). (SP) 0601 - Variant truncates the well-established functional homer ligand peptide consensus sequence and SAM (sterile alpha motif) domain (DECIPHER, PMID: 10433269). (SP) 0708 - Other protein truncating variants comparable to the one identified in this case have conflicting previous evidence for pathogenicity. These variants have been classified as variants of unknown significance and as pathogenic and likely pathogenic (ClinVar, DECIPHER). (I) 0807 - This variant has no previous evidence of pathogenicity. (I) 0905 - No published segregation evidence has been identified for this variant. (I) 1007 - No published functional evidence has been identified for this variant. (I) Legend: (SP) - Supporting pathogenic, (I) - Information, (SB) - Supporting benign

Literature cited by the submitters: PubMed 10433269; PubMed 22503632; PubMed 34113010; PubMed 35388181.

NM_016148.5(SHANK1):c.4337_4343dup (p.Thr1451fs)

Gene: SHANK1 (SH3 and multiple ankyrin repeat domains 1; minus strand). Cytogenetic location: 19q13.33.
Variant type: Duplication.
Coding change: c.4337_4343dup on transcript NM_016148.5 (MANE Select); coding-DNA positions 4337 to 4343, 7 bases duplicated (ACCGCCT; older notation c.4337_4343dupACCGCCT).
Protein change: p.Thr1451fs; shifts the reading frame from threonine 1451.
Molecular consequence: frameshift variant.
Genome position (GRCh38, 1-based): chr19:50,667,617-50,667,623, AGGCGGT duplicated on the plus strand (ACCGCCT on the coding strand, the reverse complement: SHANK1 is on the minus strand). VCF-style (leftmost placement, unchanged base first): chr19-50667616-C-CAGGCGGT. GRCh37 (hg19) VCF-style: chr19-51170873-C-CAGGCGGT.
Other names: short protein forms T1451fs.
Identifiers: ClinVar variation 3376868 (VCV003376868.1).